The following is an entry in ClinVar:

NM_203446.3(SYNJ1):c.3866G>A (p.Arg1289Gln)

Gene: SYNJ1 (synaptojanin 1; minus strand). Cytogenetic location: 21q22.11.
Variant type: single nucleotide variant.
Coding change: c.3866G>A on transcript NM_203446.3 (MANE Select); coding-DNA position 3866, G replaced by A.
Protein change: p.Arg1289Gln; replaces arginine 1289 with glutamine.
Molecular consequence: missense variant.
Genome position (GRCh38, 1-based): chr21:32,638,957, C>T on the plus strand (G>A on the coding strand, the complement: SYNJ1 is on the minus strand). VCF-style: chr21-32638957-C-T. GRCh37 (hg19) VCF-style: chr21-34011267-C-T.
Other names: c.3818G>A, p.Arg1273Gln (NM_001160302.2); c.3725G>A, p.Arg1242Gln (NM_001160306.2); c.3983G>A, p.Arg1328Gln (NM_003895.4); short protein forms R1273Q, R1289Q, R1242Q, R1328Q.
Identifiers: ClinVar variation 2193958 (VCV002193958.1), dbSNP rs780038881, ClinGen allele CA319456223.
Genomic context (GRCh38, chr21:32,638,957, plus strand): 5'-ATGAGACTTACTTGCGGTTGTGAGGAAGCTTCTGAAGGCAAGCTATGGGATGACCTGCTT[C>T]GAGGTGGTGGTTGTGGTGGGGTTTCCAAATTTGGCTGGGGGCCAGACTGAGGCATAGGTG-3'
Protein context (NP_982271.3, residues 1279-1299): NLETPPQPPP[Arg1289Gln]SRSSHSLPSE

ClinVar aggregate classification (germline): Uncertain significance (1 of 4 stars; one submission).

Conditions:
Developmental and epileptic encephalopathy, 53. Also called: Epileptic encephalopathy, early infantile, 53. Identifiers: MedGen C4479313, MONDO:0033362, OMIM 617389.
Early-onset Parkinson disease 20. Also called: PARKINSON DISEASE 20, AUTOSOMAL RECESSIVE EARLY-ONSET. Identifiers: Orphanet 391411, MedGen C3809824, MONDO:0014233, OMIM 615530.

Allele frequency attached by ClinVar (database versions not stated): gnomAD 0.00001.
gnomAD v4.1: 6 of 1,613,690 alleles (0.00037%); highest among the groups gnomAD compares: South Asian, 0.0022%; no homozygotes.

Submission:

Labcorp Genetics (formerly Invitae), Labcorp
Classification: Uncertain significance for Developmental and epileptic encephalopathy, 53; Early-onset Parkinson disease 20. Last evaluated: 2022-04-07. Review status: criteria provided, single submitter. Criteria: Invitae Variant Classification Sherloc (09022015). Collection method: clinical testing. Allele origin: germline.
Comment: This sequence change replaces arginine, which is basic and polar, with glutamine, which is neutral and polar, at codon 1328 of the SYNJ1 protein (p.Arg1328Gln). This variant is present in population databases (no rsID available, gnomAD 0.003%). This variant has not been reported in the literature in individuals affected with SYNJ1-related conditions. Algorithms developed to predict the effect of missense changes on protein structure and function are either unavailable or do not agree on the potential impact of this missense change (SIFT: "Tolerated"; PolyPhen-2: "Probably Damaging"; Align-GVGD: "Class C0"). In summary, the available evidence is currently insufficient to determine the role of this variant in disease. Therefore, it has been classified as a Variant of Uncertain Significance.